The following is an entry in ClinVar:

NM_000361.3(THBD):c.*1001A>C

Gene: THBD (thrombomodulin; minus strand). Cytogenetic location: 20p11.21.
Variant type: single nucleotide variant.
Coding change: c.*1001A>C on transcript NM_000361.3 (MANE Select); 1001 bases downstream of the stop codon, A replaced by C.
Molecular consequence: 3 prime UTR variant.
Genome position (GRCh38, 1-based): chr20:23,046,776, T>G on the plus strand (A>C on the coding strand, the complement: THBD is on the minus strand). VCF-style: chr20-23046776-T-G. GRCh37 (hg19) VCF-style: chr20-23027413-T-G.
Identifiers: ClinVar variation 337862 (VCV000337862.7), dbSNP rs3176123, ClinGen allele CA10649419.

ClinVar aggregate classification (germline): Benign. Review status: criteria provided, multiple submitters, no conflicts (2 of 4 stars). 3 submissions from 3 submitters: Benign (3). Last evaluated 2025-09-22.

Conditions:
Atypical hemolytic-uremic syndrome with thrombomodulin anomaly. Also called: HEMOLYTIC UREMIC SYNDROME, ATYPICAL, SUSCEPTIBILITY TO, 6; AHUS, SUSCEPTIBILITY TO, 6. Identifiers: MedGen C2752036, MONDO:0013044, OMIM 612926. Disease mechanism: gain of function.
Thrombomodulin-related bleeding disorder (THPH12). Also called: Thrombophilia due to thrombomodulin defect. Identifiers: Orphanet 436169, MedGen C3280976, MONDO:0013775, OMIM 614486.

Allele frequency attached by ClinVar (database versions not stated): TOPMed 0.13913; gnomAD 0.15095 and 0.15428; 1000 Genomes Project 30x 0.15912; 1000 Genomes Project 0.16713; gnomAD exomes 0.25000.
gnomAD v4.1: 23,468 of 152,258 alleles (15%); highest among the groups gnomAD compares: East Asian, 30%; 2,242 homozygotes.

Submissions (3):

Genomenon, Inc
Classification: Benign for Thrombomodulin-related bleeding disorder. Last evaluated: 2025-09-22. Review status: criteria provided, single submitter. Criteria: Genomenon Sequence Variant Interpretation Standards - Updated. Collection method: curation. Allele origin: germline. Affected: no.
Comment: THBD c.*1001A>C is a variant located in the 3′ untranslated region (3′ UTR). This variant is present at high allele frequency in population databases. In conclusion, we classify THBD c.*1001A>C as a benign variant.

Illumina Laboratory Services, Illumina
Classification: Benign for Atypical hemolytic-uremic syndrome with thrombomodulin anomaly. Last evaluated: 2018-01-12. Review status: criteria provided, single submitter. Criteria: ICSL Variant Classification Criteria 13 December 2019. Collection method: clinical testing. Allele origin: germline.
Comment: This variant was observed in the ICSL laboratory as part of a predisposition screen in an ostensibly healthy population. It had not been previously curated by ICSL or reported in the Human Gene Mutation Database (HGMD: prior to June 1st, 2018), and was therefore a candidate for classification through an automated scoring system. Utilizing variant allele frequency, disease prevalence and penetrance estimates, and inheritance mode, an automated score was calculated to assess if this variant is too frequent to cause the disease. Based on the score and internal cut-off values, a variant classified as benign is not then subjected to further curation. The score for this variant resulted in a classification of benign for this disease.

Breakthrough Genomics
Classification: Benign. Review status: criteria provided, single submitter. Criteria: ACMG Guidelines, 2015. Collection method: not provided. Allele origin: germline. Inheritance: Autosomal dominant inheritance. Affected: yes.